The following is an entry in ClinVar:

NM_006345.4(SLC30A9):c.84G>C (p.Ala28=)

Gene: SLC30A9 (solute carrier family 30 member 9; plus strand). Cytogenetic location: 4p13.
Variant type: single nucleotide variant.
Coding change: c.84G>C on transcript NM_006345.4 (MANE Select); coding-DNA position 84, G replaced by C.
Protein change: p.Ala28=; no amino-acid change (alanine 28 retained).
Molecular consequence: synonymous variant.
Genome position (GRCh38, 1-based): chr4:41,990,735, G>C. VCF-style: chr4-41990735-G-C. GRCh37 (hg19) VCF-style: chr4-41992752-G-C.
Identifiers: ClinVar variation 3057157 (VCV003057157.2), dbSNP rs16853872, ClinGen allele CA2902120.

ClinVar aggregate classification (germline): Benign (0 of 4 stars; one submission).

Conditions:
SLC30A9-related disorder. Also called: SLC30A9-related condition.

Allele frequency attached by ClinVar (database versions not stated): 1000 Genomes Project 30x 0.01171; 1000 Genomes Project 0.01198; ESP Exome Variant Server 0.01935; TOPMed 0.02030; gnomAD 0.02078; ExAC 0.02112; gnomAD exomes 0.02668.
gnomAD v4.1: 42,209 of 1,611,134 alleles (2.6%); highest among the groups gnomAD compares: Middle Eastern, 4.2%; 653 homozygotes.

Submission:

PreventionGenetics, part of Exact Sciences
Classification: Benign for SLC30A9-related condition. Last evaluated: 2019-04-01. Review status: no assertion criteria provided. Collection method: clinical testing. Allele origin: germline.
Comment: This variant is classified as benign based on ACMG/AMP sequence variant interpretation guidelines (Richards et al. 2015 PMID: 25741868, with internal and published modifications).